The following is an entry in ClinVar:

NM_031229.4(RBCK1):c.1143_1144dup (p.Phe382fs)

Gene: RBCK1 (RANBP2-type and C3HC4-type zinc finger containing 1; plus strand). Cytogenetic location: 20p13.
Variant type: Duplication.
Coding change: c.1143_1144dup on transcript NM_031229.4 (MANE Select); coding-DNA positions 1143 to 1144, 2 bases duplicated (CT; older notation c.1143_1144dupCT).
Protein change: p.Phe382fs; shifts the reading frame from phenylalanine 382.
Molecular consequence: frameshift variant. On other transcripts: non-coding transcript variant (1).
Genome position (GRCh38, 1-based): chr20:427,426-427,427, CT duplicated; duplicating any 2 consecutive bases within chr20:427,425-427,427 gives the same sequence; the c. name uses the placement nearest the transcript's 3' end. VCF-style (leftmost placement, unchanged base first): chr20-427424-T-TTC. GRCh37 (hg19) VCF-style: chr20-408068-T-TTC.
Other names: c.633_634dup, p.Phe212fs (NM_001323956.2, NM_001323958.2); c.1194_1195dup, p.Phe399fs (NM_001410770.1); c.1017_1018dup, p.Phe340fs (NM_006462.6); short protein forms F382fs, F399fs, F340fs, F212fs.
Identifiers: ClinVar variation 4713986 (VCV004713986.1).
Genomic context (GRCh38, chr20:427,424, plus strand): 5'-GCTGAAAACCGCAGTGCCTTCAGCTACCATTGCAAGACCCCAGATTGCAAGGGATGGTGC[T>TTC]TCTTTGAGGATGATGTCAATGAGTTCACCTGCCCTGTGTGTTTCCACGTCAACTGCCTGC-3'

ClinVar aggregate classification (germline): Pathogenic (1 of 4 stars; one submission).

Conditions:
Polyglucosan body myopathy type 1 (PGBM1). Also called: Polyglucosan body myopathy 1 with or without immunodeficiency; POLYGLUCOSAN BODY MYOPATHY WITHOUT IMMUNODEFICIENCY. Identifiers: Orphanet 329173, Orphanet 397937, MedGen C4014605, MONDO:0014389, OMIM 615895.

Submission:

Labcorp Genetics (formerly Invitae), Labcorp
Classification: Pathogenic for Polyglucosan body myopathy type 1. Last evaluated: 2025-02-27. Review status: criteria provided, single submitter. Criteria: Invitae Variant Classification Sherloc (09022015). Collection method: clinical testing. Allele origin: germline.
Comment: This sequence change creates a premature translational stop signal (p.Phe382Serfs*29) in the RBCK1 gene. It is expected to result in an absent or disrupted protein product. Loss-of-function variants in RBCK1 are known to be pathogenic (PMID: 2379848, 23104095, 23889995). This variant is not present in population databases (gnomAD no frequency). This variant has not been reported in the literature in individuals affected with RBCK1-related conditions. Algorithms developed to predict the effect of sequence changes on RNA splicing suggest that this variant may disrupt the consensus splice site. For these reasons, this variant has been classified as Pathogenic.

Literature cited by the submitters: PubMed 2379848; PubMed 23104095; PubMed 23889995.